The following is an entry in ClinVar:

NM_139027.6(ADAMTS13):c.3159G>A (p.Ala1053=)

Gene: ADAMTS13 (ADAM metallopeptidase with thrombospondin type 1 motif 13; plus strand). Cytogenetic location: 9q34.2.
Variant type: single nucleotide variant.
Coding change: c.3159G>A on transcript NM_139027.6 (MANE Select); coding-DNA position 3159, G replaced by A.
Protein change: p.Ala1053=; no amino-acid change (alanine 1053 retained).
Molecular consequence: synonymous variant. On other transcripts: non-coding transcript variant (1).
Genome position (GRCh38, 1-based): chr9:133,454,529, G>A. VCF-style: chr9-133454529-G-A. GRCh37 (hg19) VCF-style: chr9-136319651-G-A.
Other names: c.3159G>A, p.Ala1053= (NM_139025.5); c.3066G>A, p.Ala1022= (NM_139026.6).
Identifiers: ClinVar variation 262443 (VCV000262443.15), dbSNP rs200349242, ClinGen allele CA10587046.

ClinVar aggregate classification (germline): Benign. Review status: criteria provided, multiple submitters, no conflicts (2 of 4 stars). 4 submissions from 4 submitters: Benign (4). Last evaluated 2026-01-25.

Conditions:
Upshaw-Schulman syndrome (TTP). Also called: THROMBOTIC THROMBOCYTOPENIC PURPURA, HEREDITARY; Congenital thrombotic thrombocytopenic purpura. Identifiers: Orphanet 93583, MedGen C1268935, MONDO:0010122, OMIM 274150.

Allele frequency attached by ClinVar (database versions not stated): 1000 Genomes Project 30x 0.00312; TOPMed 0.00015; gnomAD 0.00004 and 0.00056; gnomAD exomes 0.00228 and 0.00107; ExAC 0.00260; 1000 Genomes Project 0.00300.
gnomAD v4.1: 1,666 of 1,610,526 alleles (0.1%); highest among the groups gnomAD compares: South Asian, 1.7%; 28 homozygotes.

Submissions (4):

Labcorp Genetics (formerly Invitae), Labcorp
Classification: Benign. Last evaluated: 2026-01-25. Review status: criteria provided, single submitter. Criteria: Invitae Variant Classification Sherloc (09022015). Collection method: clinical testing. Allele origin: germline.

Fulgent Genetics
Classification: Benign for Upshaw-Schulman syndrome. Last evaluated: 2021-08-19. Review status: criteria provided, single submitter. Criteria: ACMG Guidelines, 2015. Collection method: clinical testing. Allele origin: unknown.

Illumina Laboratory Services, Illumina
Classification: Benign for Upshaw-Schulman syndrome. Last evaluated: 2017-04-27. Review status: criteria provided, single submitter. Criteria: ICSL Variant Classification Criteria 13 December 2019. Collection method: clinical testing. Allele origin: germline.
Comment: This variant was observed as part of a predisposition screen in an ostensibly healthy population. A literature search was performed for the gene, cDNA change, and amino acid change (where applicable). No publications were found based on this search. Allele frequency data from public databases was too high to be consistent with this variant causing disease. Therefore, this variant is classified as benign.

PreventionGenetics, part of Exact Sciences
Classification: Benign. Review status: criteria provided, single submitter. Criteria: ACMG Guidelines, 2015. Collection method: clinical testing. Allele origin: germline.